The following is an entry in ClinVar:

ClinVar aggregate classification (germline): Uncertain significance (1 of 4 stars; one submission).

Conditions:
Fanconi anemia (FA). Also called: Fanconi's anemia. Identifiers: Orphanet 84, MedGen C0015625, MeSH D005199, MONDO:0019391.

gnomAD v4.1: 1 of 1,614,138 alleles (0.000062%); highest among the groups gnomAD compares: Non-Finnish European, 0.000085%; no homozygotes.

Submission:

Labcorp Genetics (formerly Invitae), Labcorp
Classification: Uncertain significance for Fanconi anemia. Last evaluated: 2020-11-11. Review status: criteria provided, single submitter. Criteria: Invitae Variant Classification Sherloc (09022015). Collection method: clinical testing. Allele origin: germline.
Comment: This variant has not been reported in the literature in individuals with SLX4-related conditions. This sequence change replaces lysine with methionine at codon 359 of the SLX4 protein (p.Lys359Met). The lysine residue is weakly conserved and there is a moderate physicochemical difference between lysine and methionine. This variant is not present in population databases (ExAC no frequency). Algorithms developed to predict the effect of missense changes on protein structure and function are either unavailable or do not agree on the potential impact of this missense change (SIFT: "Deleterious"; PolyPhen-2: "Probably Damaging"; Align-GVGD: "Class C0"). In summary, the available evidence is currently insufficient to determine the role of this variant in disease. Therefore, it has been classified as a Variant of Uncertain Significance.

NM_032444.4(SLX4):c.1076A>T (p.Lys359Met)

Gene: SLX4 (SLX4 structure-specific endonuclease subunit; minus strand). Cytogenetic location: 16p13.3.
Variant type: single nucleotide variant.
Coding change: c.1076A>T on transcript NM_032444.4 (MANE Select); coding-DNA position 1076, A replaced by T.
Protein change: p.Lys359Met; replaces lysine 359 with methionine.
Molecular consequence: missense variant.
Genome position (GRCh38, 1-based): chr16:3,601,066, T>A on the plus strand (A>T on the coding strand, the complement: SLX4 is on the minus strand). VCF-style: chr16-3601066-T-A. GRCh37 (hg19) VCF-style: chr16-3651067-T-A.
Other names: short protein forms K359M.
Identifiers: ClinVar variation 1375035 (VCV001375035.8), dbSNP rs2151134068, ClinGen allele CA394531582.